The following is an entry in ClinVar:

ClinVar aggregate classification (germline): Uncertain significance. Review status: criteria provided, multiple submitters, no conflicts (2 of 4 stars). 4 submissions from 4 submitters: Uncertain significance (4). Last evaluated 2024-12-18.

Conditions:
Familial adenomatous polyposis 1 (FAP1). Also called: POLYPOSIS, ADENOMATOUS INTESTINAL; FAMILIAL ADENOMATOUS POLYPOSIS 1, ATTENUATED. Identifiers: MedGen C2713442, MONDO:0021056, OMIM 175100. Disease mechanism: loss of function.
Classic or attenuated familial adenomatous polyposis. Identifiers: MedGen CN372698, MONDO:0021057.
Hereditary cancer-predisposing syndrome. Also called: Hereditary neoplastic syndrome; Neoplastic Syndromes, Hereditary; Tumor predisposition; Hereditary Cancer Syndrome. Identifiers: Orphanet 140162, MedGen C0027672, MeSH D009386, MONDO:0015356.

Allele frequency attached by ClinVar (database versions not stated): TOPMed below 0.00001; gnomAD exomes 0.00001.
gnomAD v4.1: 4 of 1,613,784 alleles (0.00025%); highest among the groups gnomAD compares: African/African-American, 0.0013%; no homozygotes.

Submissions (4):

Labcorp Genetics (formerly Invitae), Labcorp
Classification: Uncertain significance for Familial adenomatous polyposis 1. Last evaluated: 2024-12-18. Review status: criteria provided, single submitter. Criteria: Invitae Variant Classification Sherloc (09022015). Collection method: clinical testing. Allele origin: germline.
Comment: This sequence change replaces leucine, which is neutral and non-polar, with proline, which is neutral and non-polar, at codon 2574 of the APC protein (p.Leu2574Pro). This variant is present in population databases (no rsID available, gnomAD 0.007%). This variant has not been reported in the literature in individuals affected with APC-related conditions. ClinVar contains an entry for this variant (Variation ID: 470106). Invitae Evidence Modeling of protein sequence and biophysical properties (such as structural, functional, and spatial information, amino acid conservation, physicochemical variation, residue mobility, and thermodynamic stability) indicates that this missense variant is not expected to disrupt APC protein function with a negative predictive value of 95%. In summary, the available evidence is currently insufficient to determine the role of this variant in disease. Therefore, it has been classified as a Variant of Uncertain Significance.

All of Us Research Program, National Institutes of Health
Classification: Uncertain significance for Classic or attenuated familial adenomatous polyposis. Last evaluated: 2024-05-09. Review status: criteria provided, single submitter. Criteria: ACMG Guidelines, 2015. Collection method: clinical testing. Allele origin: germline. Inheritance: Autosomal dominant inheritance. Observed: 2 variant alleles, 2 heterozygotes.
Comment: This missense variant replaces leucine with proline at codon 2574 of the APC protein. Computational prediction suggests that this variant may not impact protein structure and function (internally defined REVEL score threshold <= 0.5, PMID: 27666373). To our knowledge, functional studies have not been reported for this variant. This variant has not been reported in individuals affected with APC-related disorders in the literature. This variant has been identified in 2/250796 chromosomes in the general population by the Genome Aggregation Database (gnomAD). The available evidence is insufficient to determine the role of this variant in disease conclusively. Therefore, this variant is classified as a Variant of Uncertain Significance.

This study involves interpretation of variants in research participants for the purpose of population health screening. Participant phenotype was not available at the time of variant classification. Additional details can be found in publication PMID: 35346344, PMCID: PMC8962531

Color Diagnostics, LLC DBA Color Health
Classification: Uncertain significance for Hereditary cancer-predisposing syndrome. Last evaluated: 2024-03-06. Review status: criteria provided, single submitter. Criteria: ACMG Guidelines, 2015. Collection method: clinical testing. Allele origin: germline.
Comment: This missense variant replaces leucine with proline at codon 2574 of the APC protein. Computational prediction suggests that this variant may not impact protein structure and function (internally defined REVEL score threshold <= 0.5, PMID: 27666373). To our knowledge, functional studies have not been reported for this variant. This variant has not been reported in individuals affected with APC-related disorders in the literature. This variant has been identified in 2/250796 chromosomes in the general population by the Genome Aggregation Database (gnomAD). The available evidence is insufficient to determine the role of this variant in disease conclusively. Therefore, this variant is classified as a Variant of Uncertain Significance.

Ambry Genetics
Classification: Uncertain significance for Hereditary cancer-predisposing syndrome. Last evaluated: 2024-02-27. Review status: criteria provided, single submitter. Criteria: Ambry Variant Classification Scheme 2023. Collection method: clinical testing. Allele origin: germline.
Comment: The p.L2574P variant (also known as c.7721T>C), located in coding exon 15 of the APC gene, results from a T to C substitution at nucleotide position 7721. The leucine at codon 2574 is replaced by proline, an amino acid with similar properties. This amino acid position is highly conserved in available vertebrate species. In addition, in silico predictors for this gene do not accurately predict pathogenicity. Since supporting evidence is limited at this time, the clinical significance of this alteration remains unclear.

NM_000038.6(APC):c.7721T>C (p.Leu2574Pro)

Gene: APC (APC regulator of Wnt signaling pathway; plus strand). Cytogenetic location: 5q22.2.
Variant type: single nucleotide variant.
Coding change: c.7721T>C on transcript NM_000038.6 (MANE Select); coding-DNA position 7721, T replaced by C.
Protein change: p.Leu2574Pro; replaces leucine 2574 with proline.
Molecular consequence: missense variant.
Genome position (GRCh38, 1-based): chr5:112,843,315, T>C. VCF-style: chr5-112843315-T-C. GRCh37 (hg19) VCF-style: chr5-112179012-T-C.
Other names: c.7721T>C, p.Leu2574Pro (NM_001127510.3, NM_001354895.2); c.7667T>C, p.Leu2556Pro (NM_001127511.3); c.7775T>C, p.Leu2592Pro (NM_001354896.2); c.7751T>C, p.Leu2584Pro (NM_001354897.2); c.7646T>C, p.Leu2549Pro (NM_001354898.2); c.7637T>C, p.Leu2546Pro (NM_001354899.2); c.7598T>C, p.Leu2533Pro (NM_001354900.2); c.7544T>C, p.Leu2515Pro (NM_001354901.2); and 5 more; short protein forms L2556P, L2574P, L2515P, L2549P, L2473P, L2546P, L2448P, L2533P.
Identifiers: ClinVar variation 470106 (VCV000470106.21), dbSNP rs1282183992, ClinGen allele CA16038100.